The following is an entry in ClinVar:

ClinVar aggregate classification (germline): Uncertain significance (1 of 4 stars; one submission).

Allele frequency attached by ClinVar (database versions not stated): TOPMed below 0.00001.
gnomAD v4.1: 2 of 1,514,826 alleles (0.00013%); highest among the groups gnomAD compares: Non-Finnish European, 0.00018%; no homozygotes.

Submission:

Labcorp Genetics (formerly Invitae), Labcorp
Classification: Uncertain significance. Last evaluated: 2023-06-13. Review status: criteria provided, single submitter. Criteria: Invitae Variant Classification Sherloc (09022015). Collection method: clinical testing. Allele origin: germline.
Comment: Algorithms developed to predict the effect of sequence changes on RNA splicing suggest that this variant is not likely to affect RNA splicing. In summary, the available evidence is currently insufficient to determine the role of this variant in disease. Therefore, it has been classified as a Variant of Uncertain Significance. This variant has not been reported in the literature in individuals affected with C1QTNF5-related conditions. This variant is not present in population databases (gnomAD no frequency). This sequence change affects codon 71 of the C1QTNF5 mRNA. It is a 'silent' change, meaning that it does not change the encoded amino acid sequence of the C1QTNF5 protein. It affects a nucleotide within the consensus splice site.

NM_001278431.2(C1QTNF5):c.213G>A (p.Pro71=)

Genes: C1QTNF5 (C1q and TNF related 5; minus strand), MFRP (membrane frizzled-related protein; minus strand). Cytogenetic location: 11q23.3.
Variant type: single nucleotide variant.
Coding change: c.213G>A on transcript NM_001278431.2 (MANE Select); coding-DNA position 213, G replaced by A.
Protein change: p.Pro71=; no amino-acid change (proline 71 retained).
Molecular consequence: synonymous variant. On other transcripts: 3 prime UTR variant (1).
Genome position (GRCh38, 1-based): chr11:119,340,185, C>T on the plus strand (G>A on the coding strand, the complement: C1QTNF5 is on the minus strand). VCF-style: chr11-119340185-C-T. GRCh37 (hg19) VCF-style: chr11-119210895-C-T.
Other names: c.213G>A, p.Pro71= (NM_015645.5); c.*1109G>A (NM_031433.4).
Identifiers: ClinVar variation 2855694 (VCV002855694.3), dbSNP rs1296310915, ClinGen allele CA477154953.